The following is an entry in ClinVar:

ClinVar aggregate classification (germline): Uncertain significance. Review status: criteria provided, multiple submitters, no conflicts (2 of 4 stars). 2 submissions from 2 submitters: Uncertain significance (2). Last evaluated 2024-05-12.

Conditions:
Familial Mediterranean fever, autosomal dominant. Also called: FMF, AUTOSOMAL DOMINANT; Dominant Familial Mediterranean Fever. Identifiers: Orphanet 342, MedGen C1851347, MONDO:0007601, OMIM 134610.
Acute febrile neutrophilic dermatosis (AFND). Also called: Sweet Syndrome; Gomm Button disease. Identifiers: Orphanet 3243, MedGen C0085077, MONDO:0011959, OMIM 608068.
Familial Mediterranean fever (FMF). Also called: POLYSEROSITIS, FAMILIAL PAROXYSMAL; POLYSEROSITIS, RECURRENT; Periodic peritonitis; Benign paroxysmal peritonitis. Identifiers: Orphanet 342, MedGen C0031069, MONDO:0018088, OMIM 249100. Disease mechanism: gain of function.

Submissions (2):

Fulgent Genetics
Classification: Uncertain significance for Familial Mediterranean fever, autosomal dominant; Familial Mediterranean fever; Acute febrile neutrophilic dermatosis. Last evaluated: 2024-05-12. Review status: criteria provided, single submitter. Criteria: ACMG Guidelines, 2015. Collection method: clinical testing. Allele origin: germline.

GeneDx
Classification: Uncertain significance. Last evaluated: 2024-03-05. Review status: criteria provided, single submitter. Criteria: GeneDx Variant Classification Process June 2021. Collection method: clinical testing. Allele origin: germline. Affected: yes.
Comment: Not observed at significant frequency in large population cohorts (gnomAD); In silico analysis supports that this missense variant does not alter protein structure/function; Has not been previously published as pathogenic or benign to our knowledge; This variant is associated with the following publications: (PMID: 19302049)

NM_000243.3(MEFV):c.2323G>A (p.Val775Met)

Gene: MEFV (MEFV innate immunity regulator, pyrin; minus strand). Cytogenetic location: 16p13.3.
Variant type: single nucleotide variant.
Coding change: c.2323G>A on transcript NM_000243.3 (MANE Select); coding-DNA position 2323, G replaced by A.
Protein change: p.Val775Met; replaces valine 775 with methionine.
Molecular consequence: missense variant. On other transcripts: 3 prime UTR variant (1).
Genome position (GRCh38, 1-based): chr16:3,243,164, C>T on the plus strand (G>A on the coding strand, the complement: MEFV is on the minus strand). VCF-style: chr16-3243164-C-T. GRCh37 (hg19) VCF-style: chr16-3293164-C-T.
Other names: c.*527G>A (NM_001198536.2); short protein forms V775M.
Identifiers: ClinVar variation 3373563 (VCV003373563.2).